The following is an entry in ClinVar:

ClinVar aggregate classification (germline): Uncertain significance (1 of 4 stars; one submission).

Conditions:
Hereditary pulmonary alveolar proteinosis. Also called: Pulmonary surfactant metabolism dysfunction. Identifiers: Orphanet 264675, MedGen C3711368, MONDO:0012580.

Allele frequency attached by ClinVar (database versions not stated): gnomAD 0.00001; TOPMed 0.00001; ExAC 0.00002; gnomAD exomes 0.00002.
gnomAD v4.1: 35 of 1,614,016 alleles (0.0022%); highest among the groups gnomAD compares: Middle Eastern, 0.016%; no homozygotes.

Submission:

Ambry Genetics
Classification: Uncertain significance for Hereditary pulmonary alveolar proteinosis. Last evaluated: 2014-08-15. Review status: criteria provided, single submitter. Criteria: Ambry Variant Classification Scheme 2023. Collection method: clinical testing. Allele origin: germline.
Comment: The p.D615N variant (also known as c.1843G>A), located in coding exon 12 of the ABCA3 gene, results from a G to A substitution at nucleotide position 1843. The aspartic acid at codon 615 is replaced by asparagine, an amino acid with some highly similar properties. This variant was not reported in population based cohorts in the following databases: Database of Single Nucleotide Polymorphisms (dbSNP), NHLBI Exome Sequencing Project (ESP), and 1000 Genomes Project. In the ESP, this variant was not observed in 6498 samples (12996 alleles) with coverage at this position. This amino acid position is highly conserved in available vertebrate species. In addition, this alteration is predicted to be possibly damaging but tolerated by PolyPhen and SIFT in silico analyses, respectively. Since supporting evidence is limited at this time, the clinical significance of this variant remains unclear.

NM_001089.3(ABCA3):c.1843G>A (p.Asp615Asn)

Gene: ABCA3 (ATP binding cassette subfamily A member 3; minus strand). Cytogenetic location: 16p13.3.
Variant type: single nucleotide variant.
Coding change: c.1843G>A on transcript NM_001089.3 (MANE Select); coding-DNA position 1843, G replaced by A.
Protein change: p.Asp615Asn; replaces aspartic acid 615 with asparagine.
Molecular consequence: missense variant.
Genome position (GRCh38, 1-based): chr16:2,298,439, C>T on the plus strand (G>A on the coding strand, the complement: ABCA3 is on the minus strand). VCF-style: chr16-2298439-C-T. GRCh37 (hg19) VCF-style: chr16-2348440-C-T.
Other names: short protein forms D615N.
Identifiers: ClinVar variation 1781200 (VCV001781200.2), dbSNP rs778334121, ClinGen allele CA7841070.